The following is an entry in ClinVar:

NM_025114.4(CEP290):c.5204C>T (p.Ala1735Val)

Gene: CEP290 (centrosomal protein 290; minus strand). Cytogenetic location: 12q21.32.
Variant type: single nucleotide variant.
Coding change: c.5204C>T on transcript NM_025114.4 (MANE Select); coding-DNA position 5204, C replaced by T.
Protein change: p.Ala1735Val; replaces alanine 1735 with valine.
Molecular consequence: missense variant.
Genome position (GRCh38, 1-based): chr12:88,080,204, G>A on the plus strand (C>T on the coding strand, the complement: CEP290 is on the minus strand). VCF-style: chr12-88080204-G-A. GRCh37 (hg19) VCF-style: chr12-88473981-G-A.
Other names: short protein forms A1735V.
Identifiers: ClinVar variation 961189 (VCV000961189.10), dbSNP rs1311947993, ClinGen allele CA385990929.

ClinVar aggregate classification (germline): Uncertain significance (1 of 4 stars; one submission).

Conditions:
Meckel-Gruber syndrome. Also called: Dysencephalia splachnocystica; DYSENCEPHALIA SPLANCHNOCYSTICA; GRUBER SYNDROME. Identifiers: Orphanet 564, MedGen C0265215, MONDO:0018921.
Nephronophthisis. Also called: Juvenile Nephronophthisis. Identifiers: Orphanet 655, MedGen C0687120, MONDO:0019005, HP:0000090.
Joubert syndrome. Also called: Familial aplasia of the vermis; CEREBELLOPARENCHYMAL DISORDER IV; JOUBERT-BOLTSHAUSER SYNDROME. Identifiers: Orphanet 475, MedGen C5979921, MONDO:0018772.

Allele frequency attached by ClinVar (database versions not stated): TOPMed below 0.00001.

Submission:

Labcorp Genetics (formerly Invitae), Labcorp
Classification: Uncertain significance for Joubert syndrome; Meckel-Gruber syndrome; Nephronophthisis. Last evaluated: 2019-09-16. Review status: criteria provided, single submitter. Criteria: Invitae Variant Classification Sherloc (09022015). Collection method: clinical testing. Allele origin: germline.
Comment: Algorithms developed to predict the effect of missense changes on protein structure and function (SIFT, PolyPhen-2, Align-GVGD) all suggest that this variant is likely to be tolerated, but these predictions have not been confirmed by published functional studies and their clinical significance is uncertain. This variant has not been reported in the literature in individuals with CEP290-related conditions. This variant is not present in population databases (ExAC no frequency). This sequence change replaces alanine with valine at codon 1735 of the CEP290 protein (p.Ala1735Val). The alanine residue is moderately conserved and there is a small physicochemical difference between alanine and valine. In summary, the available evidence is currently insufficient to determine the role of this variant in disease. Therefore, it has been classified as a Variant of Uncertain Significance.